The following is an entry in ClinVar:

NM_032242.4(PLXNA1):c.2996G>A (p.Arg999Gln)

Genes: PLXNA1 (plexin A1; plus strand), LOC129937476 (ATAC-STARR-seq lymphoblastoid active region 20450; plus strand). Cytogenetic location: 3q21.3.
Variant type: single nucleotide variant.
Coding change: c.2996G>A on transcript NM_032242.4 (MANE Select); coding-DNA position 2996, G replaced by A.
Protein change: p.Arg999Gln; replaces arginine 999 with glutamine.
Molecular consequence: missense variant.
Genome position (GRCh38, 1-based): chr3:127,015,302, G>A. VCF-style: chr3-127015302-G-A. GRCh37 (hg19) VCF-style: chr3-126734145-G-A.
Other names: short protein forms R999Q.
Identifiers: ClinVar variation 3347880 (VCV003347880.1).

ClinVar aggregate classification (germline): Uncertain significance (0 of 4 stars; one submission).

Conditions:
PLXNA1-related disorder. Also called: PLXNA1-related condition.

gnomAD v4.1: 18 of 1,607,972 alleles (0.0011%); highest among the groups gnomAD compares: South Asian, 0.0044%; no homozygotes.

Submission:

PreventionGenetics, part of Exact Sciences
Classification: Uncertain significance for PLXNA1-related condition. Last evaluated: 2024-07-26. Review status: no assertion criteria provided. Collection method: clinical testing. Allele origin: germline.
Comment: The PLXNA1 c.2996G>A variant is predicted to result in the amino acid substitution p.Arg999Gln. To our knowledge, this variant has not been reported in the literature. This variant is reported in 0.0029% of alleles in individuals of Latino descent in gnomAD. At this time, the clinical significance of this variant is uncertain due to the absence of conclusive functional and genetic evidence.